The following is an entry in ClinVar:

ClinVar aggregate classification (germline): Uncertain significance (1 of 4 stars; one submission).

gnomAD v4.1: 6 of 1,612,916 alleles (0.00037%); highest among the groups gnomAD compares: Non-Finnish European, 0.00051%; no homozygotes.

Submission:

Labcorp Genetics (formerly Invitae), Labcorp
Classification: Uncertain significance. Last evaluated: 2022-12-09. Review status: criteria provided, single submitter. Criteria: Invitae Variant Classification Sherloc (09022015). Collection method: clinical testing. Allele origin: germline.
Comment: In summary, the available evidence is currently insufficient to determine the role of this variant in disease. Therefore, it has been classified as a Variant of Uncertain Significance. Algorithms developed to predict the effect of sequence changes on RNA splicing suggest that this variant may disrupt the consensus splice site. This variant has not been reported in the literature in individuals affected with FUK-related conditions. This variant is not present in population databases (gnomAD no frequency). This sequence change affects a donor splice site in intron 16 of the FUK gene. It is expected to disrupt RNA splicing. Variants that disrupt the donor or acceptor splice site typically lead to a loss of protein function (PMID: 16199547), however the current clinical and genetic evidence is not sufficient to establish whether loss-of-function variants in FUK cause disease.

Literature cited by the submitters: PubMed 16199547.

NM_145059.3(FCSK):c.1988+1G>A

Gene: FCSK (fucose kinase; plus strand). Cytogenetic location: 16q22.1.
Variant type: single nucleotide variant.
Coding change: c.1988+1G>A on transcript NM_145059.3 (MANE Select); the canonical splice donor site of the intron after coding-DNA position 1988, G replaced by A.
Molecular consequence: splice donor variant.
Genome position (GRCh38, 1-based): chr16:70,474,340, G>A. VCF-style: chr16-70474340-G-A. GRCh37 (hg19) VCF-style: chr16-70508243-G-A.
Identifiers: ClinVar variation 2874235 (VCV002874235.3), dbSNP rs1382735016, ClinGen allele CA396571923.